The following is an entry in ClinVar:

ClinVar aggregate classification (germline): Uncertain significance (1 of 4 stars; one submission).

gnomAD v4.1: 76 of 1,613,434 alleles (0.0047%); highest among the groups gnomAD compares: East Asian, 0.0089%; no homozygotes.

Submission:

Labcorp Genetics (formerly Invitae), Labcorp
Classification: Uncertain significance. Last evaluated: 2025-06-15. Review status: criteria provided, single submitter. Criteria: Invitae Variant Classification Sherloc (09022015). Collection method: clinical testing. Allele origin: germline.
Comment: This sequence change replaces arginine, which is basic and polar, with glutamine, which is neutral and polar, at codon 417 of the LRRC8A protein (p.Arg417Gln). This variant is present in population databases (rs746556593, gnomAD 0.04%). This variant has not been reported in the literature in individuals affected with LRRC8A-related conditions. An algorithm developed to predict the effect of missense changes on protein structure and function (PolyPhen-2) suggests that this variant is likely to be tolerated. In summary, the available evidence is currently insufficient to determine the role of this variant in disease. Therefore, it has been classified as a Variant of Uncertain Significance.

NM_019594.4(LRRC8A):c.1250G>A (p.Arg417Gln)

Gene: LRRC8A (leucine rich repeat containing 8 VRAC subunit A; plus strand). Cytogenetic location: 9q34.11.
Variant type: single nucleotide variant.
Coding change: c.1250G>A on transcript NM_019594.4 (MANE Select); coding-DNA position 1250, G replaced by A.
Protein change: p.Arg417Gln; replaces arginine 417 with glutamine.
Molecular consequence: missense variant.
Genome position (GRCh38, 1-based): chr9:128,908,414, G>A. VCF-style: chr9-128908414-G-A. GRCh37 (hg19) VCF-style: chr9-131670693-G-A.
Other names: c.1250G>A, p.Arg417Gln (NM_001127244.2, NM_001127245.2); short protein forms R417Q.
Identifiers: ClinVar variation 4697637 (VCV004697637.1).